The following is an entry in ClinVar:

NM_178857.6(RP1L1):c.6307G>A (p.Ala2103Thr)

Gene: RP1L1 (RP1 like 1). Cytogenetic location: 8p23.1.
Variant type: single nucleotide variant.
Coding change: c.6307G>A on transcript NM_178857.6 (MANE Select); coding-DNA position 6307, G replaced by A.
Protein change: p.Ala2103Thr; replaces alanine 2103 with threonine.
Molecular consequence: missense variant.
Genome position (GRCh38, 1-based): chr8:10,607,791, C>T on the plus strand (G>A on the coding strand, the complement: RP1L1 is on the minus strand). VCF-style: chr8-10607791-C-T. GRCh37 (hg19) VCF-style: chr8-10465301-C-T.
Other names: short protein forms A2103T.
Identifiers: ClinVar variation 910990 (VCV000910990.4), dbSNP rs762267136, ClinGen allele CA4623376.

ClinVar aggregate classification (germline): Likely benign (1 of 4 stars; one submission).

Conditions:
Occult macular dystrophy (OCMD). Also called: OMD; OCCULT MACULAR DYSTROPHY, SUSCEPTIBILITY TO. Identifiers: Orphanet 247834, MedGen C3150833, MONDO:0013316, OMIM 613587, HP:0030636.

Allele frequency attached by ClinVar (database versions not stated): gnomAD 0.00002; gnomAD exomes 0.00002 and 0.00006; ExAC 0.00007.

Submission:

Illumina Laboratory Services, Illumina
Classification: Likely benign for Occult macular dystrophy. Last evaluated: 2018-01-12. Review status: criteria provided, single submitter. Criteria: ICSL Variant Classification Criteria 13 December 2019. Collection method: clinical testing. Allele origin: germline.
Comment: This variant was observed in the ICSL laboratory as part of a predisposition screen in an ostensibly healthy population. It had not been previously curated by ICSL or reported in the Human Gene Mutation Database (HGMD: prior to June 1st, 2018), and was therefore a candidate for classification through an automated scoring system. Utilizing variant allele frequency, disease prevalence and penetrance estimates, and inheritance mode, an automated score was calculated to assess if this variant is too frequent to cause the disease. Based on the score and internal cut-off values, a variant classified as likely benign is not then subjected to further curation. The score for this variant resulted in a classification of likely benign for this disease.